The following is an entry in ClinVar:

ClinVar aggregate classification (germline): Pathogenic (1 of 4 stars; one submission).

Conditions:
Glycogen storage disease, type II (IOPD). Also called: Glycogen storage disease type 2; Acid maltase deficiency disease; Aglucosidase alfa; Deficiency of alpha-glucosidase; Deficiency of lysosomal alpha-glucosidase; Glucosidase acid-1,4-alpha deficiency. Identifiers: Orphanet 365, MedGen C0017921, MONDO:0009290, OMIM 232300.

Submission:

Labcorp Genetics (formerly Invitae), Labcorp
Classification: Pathogenic for Glycogen storage disease, type II. Last evaluated: 2023-03-02. Review status: criteria provided, single submitter. Criteria: Invitae Variant Classification Sherloc (09022015). Collection method: clinical testing. Allele origin: germline.
Comment: This sequence change creates a premature translational stop signal (p.Pro425Argfs*15) in the GAA gene. It is expected to result in an absent or disrupted protein product. Loss-of-function variants in GAA are known to be pathogenic (PMID: 18425781, 22252923). This variant is not present in population databases (gnomAD no frequency). This variant has not been reported in the literature in individuals affected with GAA-related conditions. For these reasons, this variant has been classified as Pathogenic.

Literature cited by the submitters: PubMed 18425781; PubMed 22252923.

NM_000152.5(GAA):c.1274del (p.Pro425fs)

Gene: GAA (alpha glucosidase; plus strand). Cytogenetic location: 17q25.3.
Variant type: Deletion.
Coding change: c.1274del on transcript NM_000152.5 (MANE Select); coding-DNA position 1274, one base deleted (C; older notation c.1274delC).
Protein change: p.Pro425fs; shifts the reading frame from proline 425.
Molecular consequence: frameshift variant.
Genome position (GRCh38, 1-based): chr17:80,108,776, C deleted; the last of 3 consecutive C bases (chr17:80,108,774-80,108,776); deleting any one gives the same sequence. VCF-style (leftmost placement, unchanged base first): chr17-80108773-TC-T. GRCh37 (hg19) VCF-style: chr17-78082572-TC-T.
Other names: c.1274del, p.Pro425fs (NM_001079803.3, NM_001079804.3, NM_001406741.1 and 1 more transcripts); short protein forms P425fs.
Identifiers: ClinVar variation 2839746 (VCV002839746.3), dbSNP rs2510364922, ClinGen allele CA2640286697.